The following is an entry in ClinVar:

NM_001163809.2(WDR81):c.1955C>T (p.Pro652Leu)

Gene: WDR81 (WD repeat domain 81; plus strand). Cytogenetic location: 17p13.3.
Variant type: single nucleotide variant.
Coding change: c.1955C>T on transcript NM_001163809.2 (MANE Select); coding-DNA position 1955, C replaced by T.
Protein change: p.Pro652Leu; replaces proline 652 with leucine.
Molecular consequence: missense variant. On other transcripts: intron variant (3).
Genome position (GRCh38, 1-based): chr17:1,726,914, C>T. VCF-style: chr17-1726914-C-T. GRCh37 (hg19) VCF-style: chr17-1630208-C-T.
Other names: p.Pro652Leu; c.-123-1076C>T (NM_152348.4); c.59-3466C>T (NM_001163673.2); c.-15+2128C>T (NM_001163811.2); short protein forms P652L.
Identifiers: ClinVar variation 130734 (VCV000130734.9), dbSNP rs57207396, ClinGen allele CA155973.
Genomic context (GRCh38, chr17:1,726,914, plus strand): 5'-GAGTGGGCCGGCCAGTTTTAGAGGCCACTCCCTGTGAGGCTAGCTGGACCAGAGACAGGC[C>T]GGTGGCAGGAGAAGACGACTTGGAACAGGCCACAGAAGCTCTGGATTCCATTTCCCTTGC-3'
Protein context (NP_001157281.1, residues 642-662): PCEASWTRDR[Pro652Leu]VAGEDDLEQA

ClinVar aggregate classification (germline): Benign. Review status: criteria provided, multiple submitters, no conflicts (2 of 4 stars). 4 submissions from 4 submitters: Benign (3). 1 of the submissions does not count toward it. Last evaluated 2024-11-28.

Allele frequency attached by ClinVar (database versions not stated): TOPMed 0.19984; gnomAD 0.20391 and 0.20916; 1000 Genomes Project 30x 0.22439; 1000 Genomes Project 0.23323; gnomAD exomes 0.25638; ExAC 0.26062.
gnomAD v4.1: 397,305 of 1,550,268 alleles (26%); highest among the groups gnomAD compares: East Asian, 51%; 54,472 homozygotes.

Submissions (4):

Blueprint Genetics
Classification: Benign. Last evaluated: 2024-11-28. Review status: criteria provided, single submitter. Criteria: ACMG Guidelines, 2015. Collection method: clinical testing. Allele origin: germline.

Mayo Clinic Laboratories, Mayo Clinic
Classification: Benign. Last evaluated: 2022-03-24. Review status: criteria provided, single submitter. Criteria: ACMG Guidelines, 2015. Collection method: clinical testing. Allele origin: germline. Observed: 207 variant alleles.

Breakthrough Genomics
Classification: Benign. Review status: criteria provided, single submitter. Criteria: ACMG Guidelines, 2015. Collection method: not provided. Allele origin: germline. Inheritance: Autosomal recessive inheritance. Affected: yes.

Genetic Services Laboratory, University of Chicago
Classification: Likely benign for AllHighlyPenetrant. Review status: no assertion criteria provided. Collection method: clinical testing. Allele origin: germline. Inheritance: Autosomal recessive inheritance. Not counted in ClinVar's aggregate classification.
Comment: Likely benign based on allele frequency in 1000 Genomes Project or ESP global frequency and its presence in a patient with a rare or unrelated disease phenotype. NOT Sanger confirmed.